The following is an entry in ClinVar:

NM_004655.4(AXIN2):c.50T>A (p.Phe17Tyr)

Gene: AXIN2 (axin 2; minus strand). Cytogenetic location: 17q24.1.
Variant type: single nucleotide variant.
Coding change: c.50T>A on transcript NM_004655.4 (MANE Select); coding-DNA position 50, T replaced by A.
Protein change: p.Phe17Tyr; replaces phenylalanine 17 with tyrosine.
Molecular consequence: missense variant.
Genome position (GRCh38, 1-based): chr17:65,558,571, A>T on the plus strand (T>A on the coding strand, the complement: AXIN2 is on the minus strand). VCF-style: chr17-65558571-A-T. GRCh37 (hg19) VCF-style: chr17-63554689-A-T.
Other names: c.50T>A, p.Phe17Tyr (NM_001363813.1); short protein forms F17Y.
Identifiers: ClinVar variation 2998258 (VCV002998258.3), dbSNP rs2544255887, ClinGen allele CA400682358.

ClinVar aggregate classification (germline): Uncertain significance (1 of 4 stars; one submission).

Conditions:
Oligodontia-cancer predisposition syndrome. Also called: TOOTH AGENESIS-COLORECTAL CANCER SYNDROME. Identifiers: Orphanet 300576, MedGen C1837750, MONDO:0012075, OMIM 608615. Disease mechanism: loss of function.

Submission:

Labcorp Genetics (formerly Invitae), Labcorp
Classification: Uncertain significance for Oligodontia-cancer predisposition syndrome. Last evaluated: 2023-06-07. Review status: criteria provided, single submitter. Criteria: Invitae Variant Classification Sherloc (09022015). Collection method: clinical testing. Allele origin: germline.
Comment: Advanced modeling of protein sequence and biophysical properties (such as structural, functional, and spatial information, amino acid conservation, physicochemical variation, residue mobility, and thermodynamic stability) performed at Invitae indicates that this missense variant is expected to disrupt AXIN2 protein function. This variant has not been reported in the literature in individuals affected with AXIN2-related conditions. This variant is not present in population databases (gnomAD no frequency). This sequence change replaces phenylalanine, which is neutral and non-polar, with tyrosine, which is neutral and polar, at codon 17 of the AXIN2 protein (p.Phe17Tyr). In summary, the available evidence is currently insufficient to determine the role of this variant in disease. Therefore, it has been classified as a Variant of Uncertain Significance.